The following is an entry in ClinVar:

NM_004415.4(DSP):c.2872A>G (p.Ile958Val)

Gene: DSP (desmoplakin; plus strand). Cytogenetic location: 6p24.3.
Variant type: single nucleotide variant.
Coding change: c.2872A>G on transcript NM_004415.4 (MANE Select); coding-DNA position 2872, A replaced by G.
Protein change: p.Ile958Val; replaces isoleucine 958 with valine.
Molecular consequence: missense variant.
Genome position (GRCh38, 1-based): chr6:7,577,037, A>G. VCF-style: chr6-7577037-A-G. GRCh37 (hg19) VCF-style: chr6-7577270-A-G.
Other names: c.2872A>G, p.Ile958Val (NM_001008844.3, NM_001319034.2); c.2872A>G (NM_004415.2); short protein forms I958V.
Identifiers: ClinVar variation 1348456 (VCV001348456.11), dbSNP rs377116090, ClinGen allele CA035866.

ClinVar aggregate classification (germline): Conflicting classifications of pathogenicity. Review status: criteria provided, conflicting classifications (1 of 4 stars). 4 submissions from 4 submitters: Uncertain significance (3); Likely benign (1). Last evaluated 2026-07-07.

Conditions:
Cardiovascular phenotype. Identifiers: MedGen CN230736.
Arrhythmogenic cardiomyopathy with wooly hair and keratoderma. Also called: Arrhythmogenic cardiomyopathy with woolly hair and keratoderma; Carvajal syndrome; Dilated cardiomyopathy with woolly hair and keratoderma; PALMOPLANTAR KERATODERMA WITH LEFT VENTRICULAR CARDIOMYOPATHY AND WOOLLY HAIR. Identifiers: Orphanet 65282, MedGen C1854063, MONDO:0011581, OMIM 605676.
Keratosis palmoplantaris striata 2. Also called: KERATODERMA, PALMOPLANTAR, STRIATE FORM II; STRIATE PALMOPLANTAR KERATODERMA II; Keratosis palmoplantaris striata II. Identifiers: MedGen C1852127, MONDO:0013034, OMIM 612908.
Arrhythmogenic right ventricular dysplasia 8 (ARVD8). Also called: Arrhythmogenic Right Ventricular Dysplasia/Cardiomyopathy 8; ARRHYTHMOGENIC RIGHT VENTRICULAR DYSPLASIA, FAMILIAL, 8; ARRHYTHMOGENIC RIGHT VENTRICULAR CARDIOMYOPATHY 8. Identifiers: MedGen C1843896, MONDO:0011831, OMIM 607450.
Cardiomyopathy, dilated, with wooly hair, keratoderma, and tooth agenesis. Also called: Cardiomyopathy, dilated, with woolly hair, keratoderma, and tooth agenesis; Erythrokeratodermia-cardiomyopathy syndrome. Identifiers: Orphanet 476096, Orphanet 65282, MedGen C4014393, MONDO:0014355, OMIM 615821.
Lethal acantholytic epidermolysis bullosa (EBLA). Identifiers: Orphanet 158687, MedGen C1864826, MONDO:0012323, OMIM 609638.
Woolly hair-skin fragility syndrome (WHSF). Identifiers: Orphanet 293165, MedGen C1843292, MONDO:0957307, OMIM 620415.
Cardiomyopathy (CMYO). Also called: Cardiomyopathies. Identifiers: Orphanet 167848, MedGen C0878544, MONDO:0004994, HP:0001638. Inheritance: Various modes of inheritance.

Allele frequency attached by ClinVar (database versions not stated): ESP Exome Variant Server 0.00008; ExAC 0.00001; gnomAD 0.00001; TOPMed 0.00001.
gnomAD v4.1: 5 of 1,609,776 alleles (0.00031%); highest among the groups gnomAD compares: African/African-American, 0.004%; no homozygotes.

Submissions (4):

Ambry Genetics
Classification: Uncertain significance for Cardiovascular phenotype. Last evaluated: 2026-07-07. Review status: criteria provided, single submitter. Criteria: Ambry Variant Classification Scheme 2023. Collection method: clinical testing. Allele origin: germline.
Comment: The p.I958V variant (also known as c.2872A>G), located in coding exon 20 of the DSP gene, results from an A to G substitution at nucleotide position 2872. The isoleucine at codon 958 is replaced by valine, an amino acid with highly similar properties. This amino acid position is conserved. In addition, this alteration is predicted to be tolerated by in silico analysis. Based on the available evidence, the clinical significance of this variant remains unclear.

Color Diagnostics, LLC DBA Color Health
Classification: Uncertain significance for Cardiomyopathy. Last evaluated: 2025-07-28. Review status: criteria provided, single submitter. Criteria: ACMG Guidelines, 2015. Collection method: clinical testing. Allele origin: germline.
Comment: This missense variant replaces isoleucine with valine at codon 958 of the DSP protein. Computational prediction suggests that this variant may not impact protein structure and function. To our knowledge, functional studies have not been reported for this variant. This variant has not been reported in individuals affected with DSP-related disorders in the literature. This variant has been identified in 1/247488 chromosomes in the general population by the Genome Aggregation Database (gnomAD). The available evidence is insufficient to determine the role of this variant in disease conclusively. Therefore, this variant is classified as a Variant of Uncertain Significance.

Labcorp Genetics (formerly Invitae), Labcorp
Classification: Likely benign for Arrhythmogenic cardiomyopathy with wooly hair and keratoderma; Arrhythmogenic right ventricular dysplasia 8. Last evaluated: 2025-07-21. Review status: criteria provided, single submitter. Criteria: Invitae Variant Classification Sherloc (09022015). Collection method: clinical testing. Allele origin: germline.

Fulgent Genetics
Classification: Uncertain significance for Arrhythmogenic cardiomyopathy with wooly hair and keratoderma; Arrhythmogenic right ventricular dysplasia 8; Lethal acantholytic epidermolysis bullosa; Keratosis palmoplantaris striata 2; Cardiomyopathy, dilated, with wooly hair, keratoderma, and tooth agenesis. Last evaluated: 2021-10-11. Review status: criteria provided, single submitter. Criteria: ACMG Guidelines, 2015. Collection method: clinical testing. Allele origin: unknown.